The following is an entry in ClinVar:

ClinVar aggregate classification (germline): Conflicting classifications of pathogenicity. Review status: criteria provided, conflicting classifications (1 of 4 stars). 6 submissions from 6 submitters: Pathogenic (1); Likely pathogenic (2); Uncertain significance (3). Last evaluated 2026-04-24.

Conditions:
Malignant hyperthermia, susceptibility to, 1 (MHS1). Also called: Anesthesia related hyperthermia; Malignant hyperpyrexia; Fulminating hyperpyrexia; Pharmacogenic myopathy; RYR1-Related Malignant Hyperthermia Susceptibility; Malignant hyperthermia suceptibility 1. Identifiers: Orphanet 423, MedGen C2930980, MONDO:0007783, OMIM 145600.
RYR1-related disorder. Also called: RYR1-related condition; RYR1-related disorders. Identifiers: MedGen CN239331.

Allele frequency attached by ClinVar (database versions not stated): gnomAD exomes 0.00001 and 0.00002; TOPMed 0.00001; ExAC 0.00003.
gnomAD v4.1: 7 of 1,610,122 alleles (0.00043%); highest among the groups gnomAD compares: Admixed American, 0.0084%; no homozygotes.

Submissions (6):

Dasa
Classification: Likely pathogenic. Last evaluated: 2026-04-24. Review status: criteria provided, single submitter. Criteria: DASA Assertion Criteria. Collection method: clinical testing. Allele origin: germline.
Comment: NM_000540.3(RYR1):c.122T>C (p.Phe41Ser) is a missense variant that results in the substitution of phenylalanine with serine. This variant has been recurrently observed in individuals with RYR1-related disorders (PMID: 21911697; PMID: 23553484; PMID: 33458582; PMID: 33333461). Also, this variant is rare in population databases. Computational evidence supports a deleterious effect. Based on the currently available evidence, this variant is classified as likely pathogenic.

Labcorp Genetics (formerly Invitae), Labcorp
Classification: Pathogenic for RYR1-related disorder. Last evaluated: 2025-06-20. Review status: criteria provided, single submitter. Criteria: Invitae Variant Classification Sherloc (09022015). Collection method: clinical testing. Allele origin: germline.
Comment: This sequence change replaces phenylalanine, which is neutral and non-polar, with serine, which is neutral and polar, at codon 41 of the RYR1 protein (p.Phe41Ser). This variant is present in population databases (rs766407858, gnomAD 0.02%). This missense change has been observed in individuals with autosomal recessive congenital myopathy (PMID: 21911697, 23553484; internal data). ClinVar contains an entry for this variant (Variation ID: 478170). Invitae Evidence Modeling of protein sequence and biophysical properties (such as structural, functional, and spatial information, amino acid conservation, physicochemical variation, residue mobility, and thermodynamic stability) indicates that this missense variant is expected to disrupt RYR1 protein function with a positive predictive value of 95%. For these reasons, this variant has been classified as Pathogenic.

All of Us Research Program, National Institutes of Health
Classification: Uncertain significance for Malignant hyperthermia, susceptibility to, 1. Last evaluated: 2024-06-09. Review status: criteria provided, single submitter. Criteria: ACMG Guidelines, 2015. Collection method: clinical testing. Allele origin: germline. Inheritance: Autosomal dominant inheritance. Observed: 2 variant alleles, 2 heterozygotes.
Comment: This missense variant replaces phenylalanine with serine at codon 41 of the RYR1 protein. Computational prediction suggests that this variant may have deleterious impact on protein structure and function. To our knowledge, functional studies have not been reported for this variant. This variant has not been reported in individuals affected with autosomal dominant malignant hyperthermia in the literature, although it is associated with other phenotype(s) (ClinVar variation ID: 478170; PMID: 21911697, 23553484, 33458582, 33333461). This variant has been identified in 5/238280 chromosomes in the general population by the Genome Aggregation Database (gnomAD). Due to insufficient evidence, this variant is classified as a Variant of Uncertain Significance for autosomal dominant malignant hyperthermia.

This study involves interpretation of variants in research participants for the purpose of population health screening. Participant phenotype was not available at the time of variant classification. Additional details can be found in publication PMID: 35346344, PMCID: PMC8962531

Color Diagnostics, LLC DBA Color Health
Classification: Uncertain significance for Malignant hyperthermia, susceptibility to, 1. Last evaluated: 2024-05-20. Review status: criteria provided, single submitter. Criteria: ACMG Guidelines, 2015. Collection method: clinical testing. Allele origin: germline.
Comment: This missense variant replaces phenylalanine with serine at codon 41 of the RYR1 protein. Computational prediction suggests that this variant may have deleterious impact on protein structure and function. To our knowledge, functional studies have not been reported for this variant. This variant has not been reported in individuals affected with autosomal dominant malignant hyperthermia in the literature, although it is associated with other phenotype(s) (ClinVar variation ID: 478170PMID: 21911697, 23553484, 33458582, 33333461). This variant has been identified in 5/238280 chromosomes in the general population by the Genome Aggregation Database (gnomAD). Due to insufficient evidence, this variant is classified as a Variant of Uncertain Significance for autosomal dominant malignant hyperthermia.

Revvity Omics, Revvity
Classification: Uncertain significance. Last evaluated: 2024-02-26. Review status: criteria provided, single submitter. Criteria: ACMG Guidelines, 2015. Collection method: clinical testing. Allele origin: germline.

PreventionGenetics, part of Exact Sciences
Classification: Likely pathogenic. Last evaluated: 2016-11-21. Review status: criteria provided, single submitter. Criteria: ACMG Guidelines, 2015. Collection method: clinical testing. Allele origin: germline.

Literature cited by the submitters: PubMed 21911697 (cited by 3 submitters); PubMed 23553484 (cited by 3 submitters); PubMed 33458582 (cited by Dasa and All of Us Research Program, National Institutes of Health); PubMed 33333461 (cited by Dasa and All of Us Research Program, National Institutes of Health).

NM_000540.3(RYR1):c.122T>C (p.Phe41Ser)

Gene: RYR1 (ryanodine receptor 1; plus strand). Cytogenetic location: 19q13.2.
Variant type: single nucleotide variant.
Coding change: c.122T>C on transcript NM_000540.3 (MANE Select); coding-DNA position 122, T replaced by C.
Protein change: p.Phe41Ser; replaces phenylalanine 41 with serine.
Molecular consequence: missense variant.
Genome position (GRCh38, 1-based): chr19:38,440,821, T>C. VCF-style: chr19-38440821-T-C. GRCh37 (hg19) VCF-style: chr19-38931461-T-C.
Other names: c.122T>C, p.Phe41Ser (NM_001042723.2); short protein forms F41S.
Identifiers: ClinVar variation 478170 (VCV000478170.18), dbSNP rs766407858, ClinGen allele CA058692.